The following is an entry in ClinVar:

NM_000153.4(GALC):c.2037dup (p.Leu680fs)

Gene: GALC (galactosylceramidase; minus strand). Cytogenetic location: 14q31.3.
Variant type: Duplication.
Coding change: c.2037dup on transcript NM_000153.4 (MANE Select); coding-DNA position 2037, one base duplicated (T; older notation c.2037dupT).
Protein change: p.Leu680fs; shifts the reading frame from leucine 680.
Molecular consequence: frameshift variant.
Genome position (GRCh38, 1-based): chr14:87,934,753, A duplicated on the plus strand (T on the coding strand, the reverse complement: GALC is on the minus strand); the first of 3 consecutive A bases (chr14:87,934,753-87,934,755); duplicating any one gives the same sequence. VCF-style (leftmost placement, unchanged base first): chr14-87934752-G-GA. GRCh37 (hg19) VCF-style: chr14-88401096-G-GA.
Other names: c.1968dup, p.Leu657fs (NM_001201401.2); c.1959dup, p.Leu654fs (NM_001201402.2); short protein forms L657fs, L680fs, L654fs.
Identifiers: ClinVar variation 1452851 (VCV001452851.8), dbSNP rs2139925538, ClinGen allele CA2573150260.

ClinVar aggregate classification (germline): Conflicting classifications of pathogenicity. Review status: criteria provided, conflicting classifications (1 of 4 stars). 2 submissions from 2 submitters: Pathogenic (1); Uncertain significance (1). Last evaluated 2021-07-21.

Conditions:
Galactosylceramide beta-galactosidase deficiency. Also called: GALACTOCEREBROSIDASE DEFICIENCY; GALC DEFICIENCY; GLOBOID CELL LEUKOENCEPHALOPATHY; Krabbe Disease; Leukodystrophy, Globoid Cell. Identifiers: Orphanet 487, MedGen C0023521, MONDO:0009499, OMIM 245200.

Submissions (2):

Labcorp Genetics (formerly Invitae), Labcorp
Classification: Pathogenic for Galactosylceramide beta-galactosidase deficiency. Last evaluated: 2021-07-21. Review status: criteria provided, single submitter. Criteria: Invitae Variant Classification Sherloc (09022015). Collection method: clinical testing. Allele origin: germline.
Comment: This variant has not been reported in the literature in individuals affected with GALC-related conditions. This variant is not present in population databases (ExAC no frequency). This sequence change results in a frameshift in the GALC gene (p.Leu680Serfs*14). While this is not anticipated to result in nonsense mediated decay, it is expected to disrupt the last 6 amino acid(s) of the GALC protein and extend the protein by 7 additional amino acid residues. This variant disrupts a region of the GALC protein in which other variant(s) (p.Val681Met) have been determined to be pathogenic (PMID: 23462331, 31885218). This suggests that this is a clinically significant region of the protein, and that variants that disrupt it are likely to be disease-causing. For these reasons, this variant has been classified as Pathogenic.

Revvity Omics, Revvity
Classification: Uncertain significance. Last evaluated: 2021-05-06. Review status: criteria provided, single submitter. Criteria: ACMG Guidelines, 2015. Collection method: clinical testing. Allele origin: germline.

Literature cited by the submitters: PubMed 23462331 (cited by Labcorp Genetics (formerly Invitae), Labcorp); PubMed 31885218 (cited by Labcorp Genetics (formerly Invitae), Labcorp).